The following is an entry in ClinVar:

ClinVar aggregate classification (germline): Uncertain significance. Review status: criteria provided, multiple submitters, no conflicts (2 of 4 stars). 3 submissions from 3 submitters: Uncertain significance (3). Last evaluated 2022-09-08.

Conditions:
Polycystic kidney disease 3 with or without polycystic liver disease. Also called: Polycystic Kidney and/or Polycystic Liver Disease 3; Polycystic kidney disease 3; POLYCYSTIC KIDNEY DISEASE, ADULT, TYPE III. Identifiers: MedGen C3887964, MONDO:0010916, OMIM 600666.
Inborn genetic diseases. Identifiers: MedGen C0950123, MeSH D030342.

Allele frequency attached by ClinVar (database versions not stated): gnomAD 0.00008 and 0.00007; ExAC 0.00009; TOPMed 0.00014; gnomAD exomes 0.00017 and 0.00010; ESP Exome Variant Server 0.00023.
gnomAD v4.1: 255 of 1,613,916 alleles (0.016%); highest among the groups gnomAD compares: Non-Finnish European, 0.02%; no homozygotes.

Submissions (3):

GeneDx
Classification: Uncertain significance. Last evaluated: 2022-09-08. Review status: criteria provided, single submitter. Criteria: GeneDx Variant Classification Process June 2021. Collection method: clinical testing. Allele origin: germline. Affected: yes.
Comment: In silico analysis supports that this missense variant has a deleterious effect on protein structure/function; Has not been previously published as pathogenic or benign to our knowledge

Ambry Genetics
Classification: Uncertain significance for Inborn genetic diseases. Last evaluated: 2022-04-07. Review status: criteria provided, single submitter. Criteria: Ambry Variant Classification Scheme 2023. Collection method: clinical testing. Allele origin: germline.

Fulgent Genetics
Classification: Uncertain significance for Polycystic kidney disease 3 with or without polycystic liver disease. Last evaluated: 2021-07-07. Review status: criteria provided, single submitter. Criteria: ACMG Guidelines, 2015. Collection method: clinical testing. Allele origin: unknown.

NM_198334.3(GANAB):c.926G>A (p.Arg309His)

Gene: GANAB (glucosidase II alpha subunit; minus strand). Cytogenetic location: 11q12.3.
Variant type: single nucleotide variant.
Coding change: c.926G>A on transcript NM_198334.3 (MANE Select); coding-DNA position 926, G replaced by A.
Protein change: p.Arg309His; replaces arginine 309 with histidine.
Molecular consequence: missense variant.
Genome position (GRCh38, 1-based): chr11:62,632,635, C>T on the plus strand (G>A on the coding strand, the complement: GANAB is on the minus strand). VCF-style: chr11-62632635-C-T. GRCh37 (hg19) VCF-style: chr11-62400107-C-T.
Other names: c.992G>A (NM_198335.2); c.650G>A, p.Arg217His (NM_001278192.2); c.584G>A, p.Arg195His (NM_001278193.2); c.635G>A, p.Arg212His (NM_001278194.2, NM_001329222.2, NM_001329223.2); c.203G>A, p.Arg68His (NM_001329224.2, NM_001329225.2); c.992G>A, p.Arg331His (NM_198335.4); short protein forms R195H, R212H, R217H, R309H, R331H, R68H.
Identifiers: ClinVar variation 1321614 (VCV001321614.6), dbSNP rs144118755, ClinGen allele CA6050907.